The following is an entry in ClinVar:

ClinVar aggregate classification (germline): Uncertain significance (1 of 4 stars; one submission).

Conditions:
Bethlem myopathy 1A. Also called: Bethlem myopathy 1; Bethlem Muscular Dystrophy; MYOPATHY, BENIGN CONGENITAL, WITH CONTRACTURES. Identifiers: Orphanet 610, MedGen CN029274, MONDO:0024530, OMIM 158810.

Submission:

Labcorp Genetics (formerly Invitae), Labcorp
Classification: Uncertain significance for Bethlem myopathy 1A. Last evaluated: 2021-03-22. Review status: criteria provided, single submitter. Criteria: Invitae Variant Classification Sherloc (09022015). Collection method: clinical testing. Allele origin: germline.
Comment: In summary, the available evidence is currently insufficient to determine the role of this variant in disease. Therefore, it has been classified as a Variant of Uncertain Significance. Advanced modeling of protein sequence and biophysical properties (such as structural, functional, and spatial information, amino acid conservation, physicochemical variation, residue mobility, and thermodynamic stability) performed at Invitae indicates that this missense variant is not expected to disrupt COL6A3 protein function. This variant has not been reported in the literature in individuals with COL6A3-related conditions. This variant is not present in population databases (ExAC no frequency). This sequence change replaces glutamic acid with lysine at codon 2488 of the COL6A3 protein (p.Glu2488Lys). The glutamic acid residue is highly conserved and there is a small physicochemical difference between glutamic acid and lysine.

NM_004369.4(COL6A3):c.7462G>A (p.Glu2488Lys)

Gene: COL6A3 (collagen type VI alpha 3 chain; minus strand). Cytogenetic location: 2q37.3.
Variant type: single nucleotide variant.
Coding change: c.7462G>A on transcript NM_004369.4 (MANE Select); coding-DNA position 7462, G replaced by A.
Protein change: p.Glu2488Lys; replaces glutamic acid 2488 with lysine.
Molecular consequence: missense variant.
Genome position (GRCh38, 1-based): chr2:237,344,556, C>T on the plus strand (G>A on the coding strand, the complement: COL6A3 is on the minus strand). VCF-style: chr2-237344556-C-T. GRCh37 (hg19) VCF-style: chr2-238253199-C-T.
Other names: c.5641G>A, p.Glu1881Lys (NM_057166.5); c.6844G>A, p.Glu2282Lys (NM_057167.4); short protein forms E1881K, E2282K, E2488K.
Identifiers: ClinVar variation 1389475 (VCV001389475.8), dbSNP rs2106324901, ClinGen allele CA351202835.
Genomic context (GRCh38, chr2:237,344,556, plus strand): 5'-TTAGGAATCCGTTCCTCACACGCTTAAATGTGTTCCTGGCCACAAACGACATGGCAGTCT[C>T]CAGACTCTGCTGTTTGGATGTCAGAGCCACCTGAAGGTTCTTAATCTTGTCCAGGAGGAC-3'
Protein context (NP_004360.2, residues 2478-2498): VALTSKQQSL[Glu2488Lys]TAMSFVARNT